The following is an entry in ClinVar:

NM_001365999.1(SZT2):c.1659A>G (p.Ser553=)

Gene: SZT2 (SZT2 subunit of KICSTOR complex; plus strand). Cytogenetic location: 1p34.2.
Variant type: single nucleotide variant.
Coding change: c.1659A>G on transcript NM_001365999.1 (MANE Select); coding-DNA position 1659, A replaced by G.
Protein change: p.Ser553=; no amino-acid change (serine 553 retained).
Molecular consequence: synonymous variant.
Genome position (GRCh38, 1-based): chr1:43,422,115, A>G. VCF-style: chr1-43422115-A-G. GRCh37 (hg19) VCF-style: chr1-43887786-A-G.
Other names: c.1659A>G, p.Ser553= (NM_015284.4).
Identifiers: ClinVar variation 1602557 (VCV001602557.28), dbSNP rs556180436, ClinGen allele CA808478.
Genomic context (GRCh38, chr1:43,422,115, plus strand): 5'-CCTATAGTGCTGTCCTTCCTGTCCTCAGGTGCTCTCCCTCCAGCCCAGTGGTTCTGACTC[A>G]TCCCATGCCCAGTTTGCTGCCTACTGGAAGCCAGTGCTGTCCATGGATGCAAATTCCTGG-3'
Protein context (NP_001352928.1, residues 543-563): VLSLQPSGSD[Ser553=]SHAQFAAYWK

ClinVar aggregate classification (germline): Likely benign. Review status: criteria provided, multiple submitters, no conflicts (2 of 4 stars). 2 submissions from 2 submitters: Likely benign (2). Last evaluated 2024-11-21.

Allele frequency attached by ClinVar (database versions not stated): gnomAD exomes 0.00001 and 0.00002; ExAC 0.00002; gnomAD 0.00003 and 0.00005; TOPMed 0.00004; 1000 Genomes Project 0.00040; 1000 Genomes Project 30x 0.00047.
gnomAD v4.1: 39 of 1,597,892 alleles (0.0024%); highest among the groups gnomAD compares: Admixed American, 0.013%; no homozygotes.

Submissions (2):

Labcorp Genetics (formerly Invitae), Labcorp
Classification: Likely benign. Last evaluated: 2024-11-21. Review status: criteria provided, single submitter. Criteria: Invitae Variant Classification Sherloc (09022015). Collection method: clinical testing. Allele origin: germline.

CeGaT Center for Human Genetics Tuebingen
Classification: Likely benign. Last evaluated: 2024-04-01. Review status: criteria provided, single submitter. Criteria: CeGaT Center For Human Genetics Tuebingen Variant Classification Criteria Version 2. Collection method: clinical testing. Allele origin: germline. Affected: yes. Observed: 1 variant allele.
Comment: SZT2: BP4, BP7